The following is an entry in ClinVar:

NM_001145308.5(LRTOMT):c.328G>A (p.Glu110Lys)

Genes: LRTOMT (leucine rich transmembrane and O-methyltransferase domain containing; plus strand), TOMT (transmembrane O-methyltransferase; plus strand). Cytogenetic location: 11q13.4.
Variant type: single nucleotide variant.
Coding change: c.328G>A on transcript NM_001145308.5; coding-DNA position 328, G replaced by A.
Protein change: p.Glu110Lys; replaces glutamic acid 110 with lysine.
Molecular consequence: missense variant.
Genome position (GRCh38, 1-based): chr11:72,106,180, G>A. VCF-style: chr11-72106180-G-A. GRCh37 (hg19) VCF-style: chr11-71817226-G-A.
Other names: c.229G>A, p.Glu77Lys (NM_001393500.2); c.328G>A, p.Glu110Lys (NM_001145309.4); c.208G>A, p.Glu70Lys (NM_001145310.4); short protein forms E110K, E70K, E77K.
Identifiers: ClinVar variation 545 (VCV000000545.3), dbSNP rs137853187, ClinGen allele CA251498.
Genomic context (GRCh38, chr11:72,106,180, plus strand): 5'-GCCCTGCCCGGTGACCCTGGTCACATCCTCACCACCCTGGACCACTGGAGCAGCCGCTGC[G>A]AGTACTTGAGCCACATGGGGCCTGTCAAAGGTCAGTGTTCCCTAGCCTTCTGCTCCAAGA-3'

ClinVar aggregate classification (germline): Likely pathogenic. Review status: criteria provided, single submitter (1 of 4 stars). 2 submissions from 2 submitters: Likely pathogenic (1). 1 of the submissions does not count toward it. Last evaluated 2026-04-13.

Conditions:
Autosomal recessive nonsyndromic hearing loss 63. Identifiers: Orphanet 90636, MedGen C1969621, MONDO:0012670, OMIM 611451.

Allele frequency attached by ClinVar (database versions not stated): TOPMed 0.00003; ExAC below 0.00001; gnomAD 0.00004 and 0.00003; gnomAD exomes 0.00004.
gnomAD v4.1: 24 of 1,513,560 alleles (0.0016%); highest among the groups gnomAD compares: African/African-American, 0.0096%; no homozygotes.

Submissions (2):

GeneDx
Classification: Likely pathogenic. Last evaluated: 2026-04-13. Review status: criteria provided, single submitter. Criteria: GeneDx Variant Classification Process June 2021. Collection method: clinical testing. Allele origin: germline.
Comment: In silico analysis supports that this missense variant has a deleterious effect on protein structure/function; This variant is associated with the following publications: (PMID: 18953341, 30730013, 26986070, 32517708, 24926664, 34514748, 17066295)

OMIM
Classification: Pathogenic for DEAFNESS, AUTOSOMAL RECESSIVE 63. Last evaluated: 2008-11-01. Review status: no assertion criteria provided. Collection method: literature only. Allele origin: germline. Not counted in ClinVar's aggregate classification.

Literature cited by the submitters: PubMed 18953341 (cited by OMIM).